The following is an entry in ClinVar:

NM_201384.3(PLEC):c.12705G>A (p.Met4235Ile)

Gene: PLEC (plectin; minus strand). Cytogenetic location: 8q24.3.
Variant type: single nucleotide variant.
Coding change: c.12705G>A on transcript NM_201384.3 (MANE Select); coding-DNA position 12705, G replaced by A.
Protein change: p.Met4235Ile; replaces methionine 4235 with isoleucine.
Molecular consequence: missense variant.
Genome position (GRCh38, 1-based): chr8:143,917,116, C>T on the plus strand (G>A on the coding strand, the complement: PLEC is on the minus strand). VCF-style: chr8-143917116-C-T. GRCh37 (hg19) VCF-style: chr8-144991284-C-T.
Other names: c.12786G>A, p.Met4262Ile (NM_000445.5); c.9405G>A, p.Met3135Ile (NM_001410941.1); c.12663G>A, p.Met4221Ile (NM_201378.4); c.12639G>A, p.Met4213Ile (NM_201379.3); c.13116G>A, p.Met4372Ile (NM_201380.4); c.12609G>A, p.Met4203Ile (NM_201381.3); c.12705G>A, p.Met4235Ile (NM_201382.4); c.12717G>A, p.Met4239Ile (NM_201383.3); short protein forms M4203I, M4239I, M3135I, M4213I, M4262I, M4372I, M4221I, M4235I.
Identifiers: ClinVar variation 2026296 (VCV002026296.4), dbSNP rs2539196860, ClinGen allele CA372479474.

ClinVar aggregate classification (germline): Uncertain significance (1 of 4 stars; one submission).

Conditions:
Epidermolysis bullosa simplex, Ogna type (EBS5A). Also called: Pidermolysis bullosa simplex 5A, Ogna type; EPIDERMOLYSIS BULLOSA SIMPLEX 5A, OGNA TYPE. Identifiers: Orphanet 79401, MedGen C0432317, MONDO:0007555, OMIM 131950.
Epidermolysis bullosa simplex 5C, with pyloric atresia (EBS5C). Also called: PLEC-Related Epidermolysis Bullosa with Pyloric Atresia; Epidermolysis bullosa simplex with pyloric atresia; PLEC1-Related Epidermolysis Bullosa with Pyloric Atresia. Identifiers: Orphanet 158684, MedGen C2677349, MONDO:0012807, OMIM 612138.
Autosomal recessive limb-girdle muscular dystrophy type 2Q (LGMDR17). Also called: MUSCULAR DYSTROPHY, LIMB-GIRDLE, AUTOSOMAL RECESSIVE 17. Identifiers: Orphanet 254361, MedGen C3150989, MONDO:0013390, OMIM 613723.
Epidermolysis bullosa simplex with nail dystrophy (EBS5D). Identifiers: MedGen C4225309, MONDO:0014661, OMIM 616487.
Epidermolysis bullosa simplex 5B, with muscular dystrophy (EBS5B). Also called: EPIDERMOLYSIS BULLOSA SIMPLEX AND LIMB-GIRDLE MUSCULAR DYSTROPHY; Epidermolysis bullosa simplex with muscular dystrophy. Identifiers: Orphanet 257, MedGen C2931072, MONDO:0009181, OMIM 226670.

Submission:

Labcorp Genetics (formerly Invitae), Labcorp
Classification: Uncertain significance for Autosomal recessive limb-girdle muscular dystrophy type 2Q; Epidermolysis bullosa simplex, Ogna type; Epidermolysis bullosa simplex with nail dystrophy; Epidermolysis bullosa simplex 5C, with pyloric atresia; Epidermolysis bullosa simplex 5B, with muscular dystrophy. Last evaluated: 2022-10-03. Review status: criteria provided, single submitter. Criteria: Invitae Variant Classification Sherloc (09022015). Collection method: clinical testing. Allele origin: germline.
Comment: This variant has not been reported in the literature in individuals affected with PLEC-related conditions. This variant is not present in population databases (gnomAD no frequency). This sequence change replaces methionine, which is neutral and non-polar, with isoleucine, which is neutral and non-polar, at codon 4262 of the PLEC protein (p.Met4262Ile). In summary, the available evidence is currently insufficient to determine the role of this variant in disease. Therefore, it has been classified as a Variant of Uncertain Significance. Advanced modeling of protein sequence and biophysical properties (such as structural, functional, and spatial information, amino acid conservation, physicochemical variation, residue mobility, and thermodynamic stability) has been performed at Invitae for this missense variant, however the output from this modeling did not meet the statistical confidence thresholds required to predict the impact of this variant on PLEC protein function.